The following is an entry in ClinVar:

NM_024417.5(FDXR):c.873G>A (p.Ala291=)

Gene: FDXR (ferredoxin reductase; minus strand). Cytogenetic location: 17q25.1.
Variant type: single nucleotide variant.
Coding change: c.873G>A on transcript NM_024417.5 (MANE Select); coding-DNA position 873, G replaced by A.
Protein change: p.Ala291=; no amino-acid change (alanine 291 retained).
Molecular consequence: synonymous variant. On other transcripts: non-coding transcript variant (1).
Genome position (GRCh38, 1-based): chr17:74,864,277, C>T on the plus strand (G>A on the coding strand, the complement: FDXR is on the minus strand). VCF-style: chr17-74864277-C-T. GRCh37 (hg19) VCF-style: chr17-72860399-C-T.
Other names: c.1002G>A, p.Ala334= (NM_001258012.4); c.966G>A, p.Ala322= (NM_001258013.4); c.849G>A, p.Ala283= (NM_001258014.4); c.753G>A, p.Ala251= (NM_001258015.3); c.717G>A, p.Ala239= (NM_001258016.3); c.891G>A, p.Ala297= (NM_004110.6).
Identifiers: ClinVar variation 3388970 (VCV003388970.15).

ClinVar aggregate classification (germline): Likely benign. Review status: criteria provided, multiple submitters, no conflicts (2 of 4 stars). 2 submissions from 2 submitters: Likely benign (2). Last evaluated 2024-10-30.

gnomAD v4.1: 90 of 1,596,572 alleles (0.0056%); highest among the groups gnomAD compares: Non-Finnish European, 0.0068%; no homozygotes.

Submissions (2):

Blueprint Genetics
Classification: Likely benign. Last evaluated: 2024-10-30. Review status: criteria provided, single submitter. Criteria: ACMG Guidelines, 2015. Collection method: clinical testing. Allele origin: germline.

CeGaT Center for Human Genetics Tuebingen
Classification: Likely benign. Last evaluated: 2024-09-01. Review status: criteria provided, single submitter. Criteria: CeGaT Center For Human Genetics Tuebingen Variant Classification Criteria Version 2. Collection method: clinical testing. Allele origin: germline. Affected: yes. Observed: 1 variant allele.
Comment: FDXR: BP4, BP7